The following is an entry in ClinVar:

ClinVar aggregate classification (germline): Uncertain significance. Review status: criteria provided, multiple submitters, no conflicts (2 of 4 stars). 2 submissions from 2 submitters: Uncertain significance (2). Last evaluated 2025-01-09.

Conditions:
Inborn genetic diseases. Identifiers: MedGen C0950123, MeSH D030342.
Fanconi anemia (FA). Also called: Fanconi's anemia. Identifiers: Orphanet 84, MedGen C0015625, MeSH D005199, MONDO:0019391.

Submissions (2):

Ambry Genetics
Classification: Uncertain significance for Inborn genetic diseases. Last evaluated: 2025-01-09. Review status: criteria provided, single submitter. Criteria: Ambry Variant Classification Scheme 2023. Collection method: clinical testing. Allele origin: germline.
Comment: The p.L267F variant (also known as c.801G>C), located in coding exon 7 of the FANCG gene, results from a G to C substitution at nucleotide position 801. The leucine at codon 267 is replaced by phenylalanine, an amino acid with highly similar properties. This amino acid position is conserved. In addition, this alteration is predicted to be tolerated by in silico analysis. Based on the available evidence, the clinical significance of this variant remains unclear.

Labcorp Genetics (formerly Invitae), Labcorp
Classification: Uncertain significance for Fanconi anemia. Last evaluated: 2022-02-25. Review status: criteria provided, single submitter. Criteria: Invitae Variant Classification Sherloc (09022015). Collection method: clinical testing. Allele origin: germline.
Comment: In summary, the available evidence is currently insufficient to determine the role of this variant in disease. Therefore, it has been classified as a Variant of Uncertain Significance. Algorithms developed to predict the effect of missense changes on protein structure and function are either unavailable or do not agree on the potential impact of this missense change (SIFT: "Tolerated"; PolyPhen-2: "Probably Damaging"; Align-GVGD: "Class C0"). This variant has not been reported in the literature in individuals affected with FANCG-related conditions. This variant is not present in population databases (gnomAD no frequency). This sequence change replaces leucine, which is neutral and non-polar, with phenylalanine, which is neutral and non-polar, at codon 267 of the FANCG protein (p.Leu267Phe).

NM_004629.2(FANCG):c.801G>C (p.Leu267Phe)

Gene: FANCG (FA complementation group G; minus strand). Cytogenetic location: 9p13.3.
Variant type: single nucleotide variant.
Coding change: c.801G>C on transcript NM_004629.2 (MANE Select); coding-DNA position 801, G replaced by C.
Protein change: p.Leu267Phe; replaces leucine 267 with phenylalanine.
Molecular consequence: missense variant.
Genome position (GRCh38, 1-based): chr9:35,076,847, C>G on the plus strand (G>C on the coding strand, the complement: FANCG is on the minus strand). VCF-style: chr9-35076847-C-G. GRCh37 (hg19) VCF-style: chr9-35076844-C-G.
Other names: c.801G>C (NM_004629.1); short protein forms L267F.
Identifiers: ClinVar variation 1399111 (VCV001399111.7), dbSNP rs1482595465, ClinGen allele CA373313234.
Genomic context (GRCh38, chr9:35,076,847, plus strand): 5'-AGAGGCCTCCAGAAGTGGAGGACCCCAGGCTGATCCCTCTTTCAGGGCTGCAACCAAGTA[C>G]AACAGTGCTCTCTGTGGATTTCCCTAAAGGGATAGGAGGACACGGGCCTCAGCTACCCTT-3'
Protein context (NP_004620.1, residues 257-277): RKMGNPQRAL[Leu267Phe]YLVAALKEGS